The following is an entry in ClinVar:

NM_138792.4(LEO1):c.1725C>A (p.Tyr575Ter)

Gene: LEO1 (LEO1 component of Paf1/RNA polymerase II complex; minus strand). Cytogenetic location: 15q21.2.
Variant type: single nucleotide variant.
Coding change: c.1725C>A on transcript NM_138792.4 (MANE Select); coding-DNA position 1725, C replaced by A.
Protein change: p.Tyr575Ter; replaces tyrosine 575 with a stop codon.
Molecular consequence: nonsense.
Genome position (GRCh38, 1-based): chr15:51,949,881, G>T on the plus strand (C>A on the coding strand, the complement: LEO1 is on the minus strand). VCF-style: chr15-51949881-G-T. GRCh37 (hg19) VCF-style: chr15-52242078-G-T.
Other names: c.1545C>A, p.Tyr515Ter (NM_001286430.2); c.1725C>A, p.Tyr575Ter (NM_001323903.2, NM_001323904.2, NM_001426597.1 and 1 more transcripts); short protein forms Y515*, Y575*.
Identifiers: ClinVar variation 4975683 (VCV004975683.1).

ClinVar aggregate classification (germline): Uncertain significance (1 of 4 stars; one submission).

gnomAD v4.1: 1 of 1,613,884 alleles (0.000062%); highest among the groups gnomAD compares: Non-Finnish European, 0.000085%; no homozygotes.

Submission:

GeneDx
Classification: Uncertain significance. Last evaluated: 2026-01-29. Review status: criteria provided, single submitter. Criteria: GeneDx Variant Classification Process June 2021. Collection method: clinical testing. Allele origin: germline.
Comment: Not observed at significant frequency in large population cohorts (gnomAD); Nonsense variant predicted to result in protein truncation or nonsense mediated decay in a gene or region of a gene for which loss of function is not a well-established mechanism of disease; Has not been previously published as pathogenic or benign to our knowledge